The following is an entry in ClinVar:

NM_001378454.1(ALMS1):c.1187A>T (p.Gln396Leu)

Gene: ALMS1 (ALMS1 centrosome and basal body associated protein; plus strand). Cytogenetic location: 2p13.1.
Variant type: single nucleotide variant.
Coding change: c.1187A>T on transcript NM_001378454.1 (MANE Select); coding-DNA position 1187, A replaced by T.
Protein change: p.Gln396Leu; replaces glutamine 396 with leucine.
Molecular consequence: missense variant.
Genome position (GRCh38, 1-based): chr2:73,424,852, A>T. VCF-style: chr2-73424852-A-T. GRCh37 (hg19) VCF-style: chr2-73651980-A-T.
Other names: c.1190A>T, p.Gln397Leu (NM_015120.4); short protein forms Q397L, Q396L.
Identifiers: ClinVar variation 1907279 (VCV001907279.2), dbSNP rs1671349518, ClinGen allele CA347261679.
Genomic context (GRCh38, chr2:73,424,852, plus strand): 5'-CTGATGAAAACATAGCTACTAAAAGAAGTGACCATTTTGATGCTGCTCGTTCATATGGGC[A>T]GTATTGGACACAGGAAGATTCATCTAAGCAGGCAGAAACATATTTAACCAGTAAGTACCC-3'
Protein context (NP_001365383.1, residues 386-406): DHFDAARSYG[Gln396Leu]YWTQEDSSKQ

ClinVar aggregate classification (germline): Uncertain significance (1 of 4 stars; one submission).

Conditions:
Alstrom syndrome (ALMS). Identifiers: Orphanet 64, MedGen C0268425, MONDO:0008763, OMIM 203800.

Allele frequency attached by ClinVar (database versions not stated): TOPMed 0.00001.

Submission:

Labcorp Genetics (formerly Invitae), Labcorp
Classification: Uncertain significance for Alstrom syndrome. Last evaluated: 2022-02-22. Review status: criteria provided, single submitter. Criteria: Invitae Variant Classification Sherloc (09022015). Collection method: clinical testing. Allele origin: germline.
Comment: This sequence change replaces glutamine, which is neutral and polar, with leucine, which is neutral and non-polar, at codon 397 of the ALMS1 protein (p.Gln397Leu). This variant is not present in population databases (gnomAD no frequency). This variant has not been reported in the literature in individuals affected with ALMS1-related conditions. Experimental studies and prediction algorithms are not available or were not evaluated, and the functional significance of this variant is currently unknown. In summary, the available evidence is currently insufficient to determine the role of this variant in disease. Therefore, it has been classified as a Variant of Uncertain Significance.